The following is an entry in ClinVar:

ClinVar aggregate classification (germline): Uncertain significance (1 of 4 stars; one submission).

Submission:

Women's Health and Genetics/Laboratory Corporation of America, LabCorp
Classification: Uncertain significance. Last evaluated: 2026-05-22. Review status: criteria provided, single submitter. Criteria: LabCorp Variant Classification Summary - May 2015. Collection method: clinical testing. Allele origin: germline.
Comment: Variant summary: TRIO c.6852delinsACCA (p.Ile2284_Glu2285insPro) results in an in-frame insertion that is predicted to insert one amino acid into the encoded protein. The variant was absent in 110212 control chromosomes. The available data on variant occurrences in the general population are insufficient to allow any conclusion about variant significance. To our knowledge, no occurrence of c.6852delinsACCA in individuals affected with TRIO-related conditions and no experimental evidence demonstrating its impact on protein function have been reported. No submitters have cited clinical-significance assessments for this variant to ClinVar. Based on the evidence outlined above, the variant was classified as uncertain significance.

NM_007118.4(TRIO):c.6852delinsACCA (p.Ile2284_Glu2285insPro)

Gene: TRIO (trio Rho guanine nucleotide exchange factor; plus strand). Cytogenetic location: 5p15.2.
Variant type: Indel.
Coding change: c.6852delinsACCA on transcript NM_007118.4 (MANE Select); coding-DNA position 6852, C replaced by ACCA.
Protein change: p.Ile2284_Glu2285insPro.
Molecular consequence: inframe insertion. On other transcripts: non-coding transcript variant (1).
Genome position (GRCh38, 1-based): chr5:14,487,480, C replaced by ACCA. VCF-style: chr5-14487480-C-ACCA. GRCh37 (hg19) VCF-style: chr5-14487589-C-ACCA.
Identifiers: ClinVar variation 4853698 (VCV004853698.1).